The following is an entry in ClinVar:

ClinVar aggregate classification (germline): Uncertain significance (1 of 4 stars; one submission).

Conditions:
Mitochondrial hypertrophic cardiomyopathy with lactic acidosis due to MTO1 deficiency. Also called: CARDIOMYOPATHY, INFANTILE HYPERTROPHIC MITOCHONDRIAL, AND LACTIC ACIDOSIS; Combined oxidative phosphorylation deficiency 10. Identifiers: Orphanet 314637, MedGen C4749921, MONDO:0013865, OMIM 614702.

Submission:

Labcorp Genetics (formerly Invitae), Labcorp
Classification: Uncertain significance for Mitochondrial hypertrophic cardiomyopathy with lactic acidosis due to MTO1 deficiency. Last evaluated: 2022-07-12. Review status: criteria provided, single submitter. Criteria: Invitae Variant Classification Sherloc (09022015). Collection method: clinical testing. Allele origin: germline.
Comment: This sequence change replaces glutamine, which is neutral and polar, with histidine, which is basic and polar, at codon 216 of the MTO1 protein (p.Gln216His). This variant is not present in population databases (gnomAD no frequency). This variant has not been reported in the literature in individuals affected with MTO1-related conditions. Algorithms developed to predict the effect of missense changes on protein structure and function are either unavailable or do not agree on the potential impact of this missense change (SIFT: "Deleterious"; PolyPhen-2: "Possibly Damaging"; Align-GVGD: "Class C0"). In summary, the available evidence is currently insufficient to determine the role of this variant in disease. Therefore, it has been classified as a Variant of Uncertain Significance.

NM_012123.4(MTO1):c.648G>C (p.Gln216His)

Gene: MTO1 (mitochondrial tRNA translation optimization 1; plus strand). Cytogenetic location: 6q13.
Variant type: single nucleotide variant.
Coding change: c.648G>C on transcript NM_012123.4 (MANE Select); coding-DNA position 648, G replaced by C.
Protein change: p.Gln216His; replaces glutamine 216 with histidine.
Molecular consequence: missense variant.
Genome position (GRCh38, 1-based): chr6:73,473,477, G>C. VCF-style: chr6-73473477-G-C. GRCh37 (hg19) VCF-style: chr6-74183200-G-C.
Other names: c.648G>C, p.Gln216His (NM_001123226.2, NM_133645.3); short protein forms Q216H.
Identifiers: ClinVar variation 2088038 (VCV002088038.4), dbSNP rs2533261083, ClinGen allele CA364713622.
Genomic context (GRCh38, chr6:73,473,477, plus strand): 5'-TCTGAGAGGCATGATTGTAATTGGATTGGAGACGCATCCAGCAGGACGTTTAGGGGATCA[G>C]CCTTCTATAGGATTGGCTCAGACACTGGAGAAGTTAGGGTTTGTGGTGGGAAGGTTGAAG-3'
Protein context (NP_036255.2, residues 206-226): ETHPAGRLGD[Gln216His]PSIGLAQTLE